The following is an entry in ClinVar:

ClinVar aggregate classification (germline): Uncertain significance (1 of 4 stars; one submission).

Conditions:
Tuberous sclerosis 2 (TSC2). Identifiers: Orphanet 805, MedGen C1860707, MONDO:0013199, OMIM 613254.

Submission:

3billion
Classification: Uncertain significance for Tuberous sclerosis 2. Last evaluated: 2025-05-23. Review status: criteria provided, single submitter. Criteria: ACMG Guidelines, 2015. Collection method: clinical testing. Allele origin: germline. Affected: yes.
Comment: The variant is not observed in the gnomAD v4.1.0 dataset. Predicted Consequence/Location: Missense variant. The majority of the known disease-causing variants of this gene are variants expected to result in premature termination of the protein. In silico tool predictions suggest damaging effect of the variant on gene or gene product [REVEL: 0.97 (>=0.6, sensitivity 0.68 and specificity 0.92)]. Different missense changes at the same codon have been reported as of uncertain significance (ClinVar ID: VCV000406033, VCV001786493; 3billion dataset). Therefore, this variant is classified as VUS according to the recommendation of ACMG/AMP guideline.

NM_000548.5(TSC2):c.2138T>A (p.Leu713Gln)

Gene: TSC2 (TSC complex subunit 2; plus strand). Cytogenetic location: 16p13.3.
Variant type: single nucleotide variant.
Coding change: c.2138T>A on transcript NM_000548.5 (MANE Select); coding-DNA position 2138, T replaced by A.
Protein change: p.Leu713Gln; replaces leucine 713 with glutamine.
Molecular consequence: missense variant. On other transcripts: non-coding transcript variant (5).
Genome position (GRCh38, 1-based): chr16:2,072,281, T>A. VCF-style: chr16-2072281-T-A. GRCh37 (hg19) VCF-style: chr16-2122282-T-A.
Other names: c.2138T>A, p.Leu713Gln (NM_001077183.3, NM_001114382.3, NM_001363528.2 and 6 more transcripts); c.2027T>A, p.Leu676Gln (NM_001318827.2, NM_001406670.1, NM_001406678.1); c.1991T>A, p.Leu664Gln (NM_001318829.2, NM_001406675.1, NM_001406676.1 and 1 more transcripts); c.1538T>A, p.Leu513Gln (NM_001318831.2, NM_001406680.1, NM_001406682.1 and 6 more transcripts); c.2171T>A, p.Leu724Gln (NM_001318832.2); c.1676T>A, p.Leu559Gln (NM_001406681.1); c.2228T>A, p.Leu743Gln (NM_001406667.1, NM_001406668.1); c.2126T>A, p.Leu709Gln (NM_001406671.1, NM_001406673.1); and 3 more; short protein forms L179Q, L265Q, L513Q, L559Q, L664Q, L676Q, L694Q, L709Q.
Identifiers: ClinVar variation 4855387 (VCV004855387.1).